The following is an entry in ClinVar:

NM_000046.5(ARSB):c.74C>A (p.Pro25Gln)

Genes: ARSB (arylsulfatase B; minus strand), LOC129994126 (ATAC-STARR-seq lymphoblastoid silent region 16127; plus strand). Cytogenetic location: 5q14.1.
Variant type: single nucleotide variant.
Coding change: c.74C>A on transcript NM_000046.5 (MANE Select); coding-DNA position 74, C replaced by A.
Protein change: p.Pro25Gln; replaces proline 25 with glutamine.
Molecular consequence: missense variant.
Genome position (GRCh38, 1-based): chr5:78,985,175, G>T on the plus strand (C>A on the coding strand, the complement: ARSB is on the minus strand). VCF-style: chr5-78985175-G-T. GRCh37 (hg19) VCF-style: chr5-78280998-G-T.
Other names: p.Pro25Gln; c.74C>A, p.Pro25Gln (NM_198709.3); short protein forms P25Q.
Identifiers: ClinVar variation 1301777 (VCV001301777.8), dbSNP rs576541936, ClinGen allele CA121117903.

ClinVar aggregate classification (germline): Uncertain significance. Review status: criteria provided, multiple submitters, no conflicts (2 of 4 stars). 3 submissions from 3 submitters: Uncertain significance (3). Last evaluated 2025-02-19.

Conditions:
Mucopolysaccharidosis type 6 (MPS6). Also called: ARSB DEFICIENCY; ARYLSULFATASE B DEFICIENCY; MPS 6; Maroteaux Lamy syndrome; N-ACETYLGALACTOSAMINE-4-SULFATASE DEFICIENCY; MPS VI. Identifiers: Orphanet 583, MedGen C0026709, MONDO:0009661, OMIM 253200.

Allele frequency attached by ClinVar (database versions not stated): gnomAD 0.00001; gnomAD exomes 0.00001; TOPMed 0.00002; 1000 Genomes Project 30x 0.00016.
gnomAD v4.1: 13 of 1,431,262 alleles (0.00091%); highest among the groups gnomAD compares: African/African-American, 0.012%; no homozygotes.

Submissions (3):

Mayo Clinic Laboratories, Mayo Clinic
Classification: Uncertain significance. Last evaluated: 2025-02-19. Review status: criteria provided, single submitter. Criteria: ACMG Guidelines, 2015. Collection method: clinical testing. Allele origin: germline. Observed: 1 variant allele.
Comment: PM2_supporting

Labcorp Genetics (formerly Invitae), Labcorp
Classification: Uncertain significance for Mucopolysaccharidosis type 6. Last evaluated: 2021-09-17. Review status: criteria provided, single submitter. Criteria: Invitae Variant Classification Sherloc (09022015). Collection method: clinical testing. Allele origin: germline.
Comment: This sequence change replaces proline with glutamine at codon 25 of the ARSB protein (p.Pro25Gln). The proline residue is weakly conserved and there is a moderate physicochemical difference between proline and glutamine. The frequency data for this variant in the population databases is considered unreliable, as metrics indicate insufficient coverage at this position in the ExAC database. This variant has not been reported in the literature in individuals with ARSB-related conditions. Algorithms developed to predict the effect of sequence changes on RNA splicing suggest that this variant may create or strengthen a splice site, but this prediction has not been confirmed by published transcriptional studies. In summary, the available evidence is currently insufficient to determine the role of this variant in disease. Therefore, it has been classified as a Variant of Uncertain Significance.

Dubai Health Genomic Medicine Center, Dubai Health
Classification: Uncertain significance for Mucopolysaccharidosis type 6. Last evaluated: 2020-03-25. Review status: criteria provided, single submitter. Criteria: ACMG Guidelines, 2015. Collection method: clinical testing. Allele origin: germline. Affected: yes.